The following is an entry in ClinVar:

NM_014974.3(DIP2C):c.314A>G (p.Glu105Gly)

Gene: DIP2C (DIP2 acetate--CoA ligase C (putative); minus strand). Cytogenetic location: 10p15.3.
Variant type: single nucleotide variant.
Coding change: c.314A>G on transcript NM_014974.3 (MANE Select); coding-DNA position 314, A replaced by G.
Protein change: p.Glu105Gly; replaces glutamic acid 105 with glycine.
Molecular consequence: missense variant.
Genome position (GRCh38, 1-based): chr10:440,951, T>C on the plus strand (A>G on the coding strand, the complement: DIP2C is on the minus strand). VCF-style: chr10-440951-T-C. GRCh37 (hg19) VCF-style: chr10-486891-T-C.
Other names: short protein forms E105G.
Identifiers: ClinVar variation 1478989 (VCV001478989.8), dbSNP rs770786128, ClinGen allele CA5381381.
Genomic context (GRCh38, chr10:440,951, plus strand): 5'-ATCGAGGTCTGCACGACCAGGGACCTGCGTTTGGAAGGCATAGGCACTGCCATCTTCCGC[T>C]CTTTGTGTTTGGCCAGAGCCGCCTGGACAGCTTCCGTGTGGACGTCTGAAACGGAGAGAG-3'
Protein context (NP_055789.1, residues 95-115): AVQAALAKHK[Glu105Gly]RKMAVPMPSK

ClinVar aggregate classification (germline): Uncertain significance (1 of 4 stars; one submission).

Allele frequency attached by ClinVar (database versions not stated): ExAC 0.00001; gnomAD 0.00001; gnomAD exomes 0.00001; TOPMed 0.00001.
gnomAD v4.1: 15 of 1,613,732 alleles (0.00093%); highest among the groups gnomAD compares: South Asian, 0.013%; no homozygotes.

Submission:

Labcorp Genetics (formerly Invitae), Labcorp
Classification: Uncertain significance. Last evaluated: 2021-03-15. Review status: criteria provided, single submitter. Criteria: Invitae Variant Classification Sherloc (09022015). Collection method: clinical testing. Allele origin: germline.
Comment: Algorithms developed to predict the effect of missense changes on protein structure and function are either unavailable or do not agree on the potential impact of this missense change (SIFT: "Tolerated"; PolyPhen-2: "Possibly Damaging"; Align-GVGD: "Class C0"). This variant has not been reported in the literature in individuals with DIP2C-related conditions. This variant is present in population databases (rs770786128, ExAC 0.006%). This sequence change replaces glutamic acid with glycine at codon 105 of the DIP2C protein (p.Glu105Gly). The glutamic acid residue is moderately conserved and there is a moderate physicochemical difference between glutamic acid and glycine. In summary, the available evidence is currently insufficient to determine the role of this variant in disease. Therefore, it has been classified as a Variant of Uncertain Significance.